The following is an entry in ClinVar:

NM_014956.5(CEP164):c.2744G>A (p.Arg915His)

Gene: CEP164 (centrosomal protein 164; plus strand). Cytogenetic location: 11q23.3.
Variant type: single nucleotide variant.
Coding change: c.2744G>A on transcript NM_014956.5 (MANE Select); coding-DNA position 2744, G replaced by A.
Protein change: p.Arg915His; replaces arginine 915 with histidine.
Molecular consequence: missense variant.
Genome position (GRCh38, 1-based): chr11:117,394,477, G>A. VCF-style: chr11-117394477-G-A. GRCh37 (hg19) VCF-style: chr11-117265193-G-A.
Other names: c.2753G>A, p.Arg918His (NM_001271933.2); short protein forms R915H, R918H.
Identifiers: ClinVar variation 731039 (VCV000731039.17), dbSNP rs147802563, ClinGen allele CA6295199.
Genomic context (GRCh38, chr11:117,394,477, plus strand): 5'-ATGAACGAGAACTGGAGACTGTGAGGCAGGAGCAACACAAGCGTCTTGAGGACTTGCGGC[G>A]CCGGCACAGGGAGCAGGTGAGGGGCCTGGGGCAGGGTGAGCCCACTGTGACCCCTCCATG-3'
Protein context (NP_055771.4, residues 905-925): EQHKRLEDLR[Arg915His]RHREQERKLQ

ClinVar aggregate classification (germline): Likely benign. Review status: criteria provided, multiple submitters, no conflicts (2 of 4 stars). 5 submissions from 5 submitters: Likely benign (5). Last evaluated 2025-12-01.

Conditions:
CEP164-related disorder. Also called: CEP164-related condition.
Nephronophthisis 15 (NPHP15). Identifiers: Orphanet 3156, MedGen C3541853, MONDO:0013917, OMIM 614845.
Inborn genetic diseases. Identifiers: MedGen C0950123, MeSH D030342.

Allele frequency attached by ClinVar (database versions not stated): ESP Exome Variant Server 0.00008; gnomAD 0.00014 and 0.00017; gnomAD exomes 0.00015 and 0.00024; TOPMed 0.00016; ExAC 0.00017.
gnomAD v4.1: 246 of 1,613,928 alleles (0.015%); highest among the groups gnomAD compares: South Asian, 0.041%; 3 homozygotes.

Submissions (5):

Labcorp Genetics (formerly Invitae), Labcorp
Classification: Likely benign for Nephronophthisis 15. Last evaluated: 2025-12-01. Review status: criteria provided, single submitter. Criteria: Invitae Variant Classification Sherloc (09022015). Collection method: clinical testing. Allele origin: germline.

PreventionGenetics, part of Exact Sciences
Classification: Likely benign for CEP164-related condition. Last evaluated: 2025-11-24. Review status: criteria provided, single submitter. Criteria: ACMG Guidelines, 2015. Collection method: clinical testing. Allele origin: germline.
Comment: This variant is classified as likely benign based on ACMG/AMP sequence variant interpretation guidelines (Richards et al. 2015 PMID: 25741868, with internal and published modifications).

Ambry Genetics
Classification: Likely benign for Inborn genetic diseases. Last evaluated: 2025-05-07. Review status: criteria provided, single submitter. Criteria: Ambry Variant Classification Scheme 2023. Collection method: clinical testing. Allele origin: germline.

Blueprint Genetics
Classification: Likely benign. Last evaluated: 2024-10-29. Review status: criteria provided, single submitter. Criteria: ACMG Guidelines, 2015. Collection method: clinical testing. Allele origin: germline.

Fulgent Genetics
Classification: Likely benign for Nephronophthisis 15. Last evaluated: 2024-05-11. Review status: criteria provided, single submitter. Criteria: ACMG Guidelines, 2015. Collection method: clinical testing. Allele origin: germline.